The following is an entry in ClinVar:

ClinVar aggregate classification (germline): Benign/Likely benign. Review status: criteria provided, multiple submitters, no conflicts (2 of 4 stars). 7 submissions from 7 submitters: Benign (4); Likely benign (2). 1 of the submissions does not count toward it. Last evaluated 2026-03-01.

Conditions:
TTBK2-related disorder. Also called: TTBK2-related condition.
Spinocerebellar ataxia type 11 (SCA11). Identifiers: Orphanet 98767, MedGen C1858351, MONDO:0011464, OMIM 604432.

Allele frequency attached by ClinVar (database versions not stated): 1000 Genomes Project 30x 0.00062; TOPMed 0.00076; 1000 Genomes Project 0.00080; gnomAD exomes 0.00126 and 0.00157; ExAC 0.00150; ESP Exome Variant Server 0.00150; gnomAD 0.00169 and 0.00172.
gnomAD v4.1: 2,084 of 1,613,910 alleles (0.13%); highest among the groups gnomAD compares: Non-Finnish European, 0.13%; 7 homozygotes.

Submissions (7):

CeGaT Center for Human Genetics Tuebingen
Classification: Likely benign. Last evaluated: 2026-03-01. Review status: criteria provided, single submitter. Criteria: CeGaT Center For Human Genetics Tuebingen Variant Classification Criteria Version 2. Collection method: clinical testing. Allele origin: germline. Affected: yes. Observed: 19 variant alleles.
Comment: TTBK2: BP4, BP7

Labcorp Genetics (formerly Invitae), Labcorp
Classification: Benign. Last evaluated: 2026-02-01. Review status: criteria provided, single submitter. Criteria: Invitae Variant Classification Sherloc (09022015). Collection method: clinical testing. Allele origin: germline.

Athena Diagnostics
Classification: Benign. Last evaluated: 2025-02-24. Review status: criteria provided, single submitter. Criteria: Athena Diagnostics Criteria. Collection method: clinical testing. Allele origin: unknown.
Comment: The frequency of this variant in the general population is higher than would generally be expected for pathogenic variants in this gene.

Blueprint Genetics
Classification: Likely benign. Last evaluated: 2024-11-26. Review status: criteria provided, single submitter. Criteria: ACMG Guidelines, 2015. Collection method: clinical testing. Allele origin: germline.

Mayo Clinic Laboratories, Mayo Clinic
Classification: Benign. Last evaluated: 2024-05-09. Review status: criteria provided, single submitter. Criteria: ACMG Guidelines, 2015. Collection method: clinical testing. Allele origin: germline. Observed: 2 variant alleles.
Comment: BS1, BS2, BP4, BP7

Illumina Laboratory Services, Illumina
Classification: Benign for Spinocerebellar ataxia type 11. Last evaluated: 2018-01-12. Review status: criteria provided, single submitter. Criteria: ICSL Variant Classification Criteria 13 December 2019. Collection method: clinical testing. Allele origin: germline.
Comment: This variant was observed in the ICSL laboratory as part of a predisposition screen in an ostensibly healthy population. It had not been previously curated by ICSL or reported in the Human Gene Mutation Database (HGMD: prior to June 1st, 2018), and was therefore a candidate for classification through an automated scoring system. Utilizing variant allele frequency, disease prevalence and penetrance estimates, and inheritance mode, an automated score was calculated to assess if this variant is too frequent to cause the disease. Based on the score and internal cut-off values, a variant classified as benign is not then subjected to further curation. The score for this variant resulted in a classification of benign for this disease.

PreventionGenetics, part of Exact Sciences
Classification: Likely benign for TTBK2-related condition. Last evaluated: 2024-08-26. Review status: no assertion criteria provided. Collection method: clinical testing. Allele origin: germline. Not counted in ClinVar's aggregate classification.
Comment: This variant is classified as likely benign based on ACMG/AMP sequence variant interpretation guidelines (Richards et al. 2015 PMID: 25741868, with internal and published modifications).

Literature cited by the submitters: PubMed 19533200 (cited by Athena Diagnostics and Mayo Clinic Laboratories, Mayo Clinic).

NM_173500.4(TTBK2):c.1059C>T (p.Ser353=)

Gene: TTBK2 (tau tubulin kinase 2; minus strand). Cytogenetic location: 15q15.2.
Variant type: single nucleotide variant.
Coding change: c.1059C>T on transcript NM_173500.4 (MANE Select); coding-DNA position 1059, C replaced by T.
Protein change: p.Ser353=; no amino-acid change (serine 353 retained).
Molecular consequence: synonymous variant.
Genome position (GRCh38, 1-based): chr15:42,783,557, G>A on the plus strand (C>T on the coding strand, the complement: TTBK2 is on the minus strand). VCF-style: chr15-42783557-G-A. GRCh37 (hg19) VCF-style: chr15-43075755-G-A.
Other names: p.Ser353=.
Identifiers: ClinVar variation 315995 (VCV000315995.50), dbSNP rs200405805, ClinGen allele CA7516978.